The following is an entry in ClinVar:

ClinVar aggregate classification (germline): Pathogenic/Likely pathogenic. Review status: criteria provided, multiple submitters, no conflicts (2 of 4 stars). 2 submissions from 2 submitters: Pathogenic (1); Likely pathogenic (1). Last evaluated 2025-02-14.

Conditions:
Pseudoachondroplastic spondyloepiphyseal dysplasia syndrome (PSACH). Also called: PSEUDOACHONDROPLASTIC DYSPLASIA; Pseudoachondroplasia; COMP-Related Pseudoachondroplasia. Identifiers: Orphanet 750, MedGen C0410538, MONDO:0008322, OMIM 177170.

Submissions (2):

3billion
Classification: Likely pathogenic for Pseudoachondroplastic spondyloepiphyseal dysplasia syndrome. Last evaluated: 2025-02-14. Review status: criteria provided, single submitter. Criteria: ACMG Guidelines, 2015. Collection method: clinical testing. Allele origin: germline. Affected: yes.
Comment: The variant is not observed in the gnomAD v4.1.0 dataset. Predicted Consequence/Location: Missense variant. Missense changes are a common disease-causing mechanism. In silico tool predictions suggest damaging effect of the variant on gene or gene product [REVEL: 0.98 (>=0.6, sensitivity 0.68 and specificity 0.92)]. The same nucleotide change resulting in the same amino acid change has been previously reported to be associated with COMP-related disorder (ClinVar ID: VCV001404727 /PMID: 24595329). Different missense changes at the same codon (p.Asp269Ala, p.Asp269Asn) have been reported as pathogenic/likely pathogenic with strong evidence (ClinVar ID: VCV001298752, VCV001486948 /PMID: 34709441). Therefore, this variant is classified as Likely pathogenic according to the recommendation of ACMG/AMP guideline.

Labcorp Genetics (formerly Invitae), Labcorp
Classification: Pathogenic. Last evaluated: 2022-02-22. Review status: criteria provided, single submitter. Criteria: Invitae Variant Classification Sherloc (09022015). Collection method: clinical testing. Allele origin: germline.
Comment: For these reasons, this variant has been classified as Pathogenic. Advanced modeling of protein sequence and biophysical properties (such as structural, functional, and spatial information, amino acid conservation, physicochemical variation, residue mobility, and thermodynamic stability) performed at Invitae indicates that this missense variant is expected to disrupt COMP protein function. This missense change has been observed in individuals with pseudoachondroplasia (PMID: 24595329, 28044000). This variant is not present in population databases (gnomAD no frequency). This sequence change replaces aspartic acid, which is acidic and polar, with glycine, which is neutral and non-polar, at codon 269 of the COMP protein (p.Asp269Gly).

Literature cited by the submitters: PubMed 34709441 (cited by 3billion); PubMed 24595329 (cited by 3billion and Labcorp Genetics (formerly Invitae), Labcorp); PubMed 28044000 (cited by Labcorp Genetics (formerly Invitae), Labcorp).

NM_000095.3(COMP):c.806A>G (p.Asp269Gly)

Gene: COMP (cartilage oligomeric matrix protein; minus strand). Cytogenetic location: 19p13.11.
Variant type: single nucleotide variant.
Coding change: c.806A>G on transcript NM_000095.3 (MANE Select); coding-DNA position 806, A replaced by G.
Protein change: p.Asp269Gly; replaces aspartic acid 269 with glycine.
Molecular consequence: missense variant.
Genome position (GRCh38, 1-based): chr19:18,788,471, T>C on the plus strand (A>G on the coding strand, the complement: COMP is on the minus strand). VCF-style: chr19-18788471-T-C. GRCh37 (hg19) VCF-style: chr19-18899280-T-C.
Other names: short protein forms D269G.
Identifiers: ClinVar variation 1404727 (VCV001404727.9), dbSNP rs2145903433, ClinGen allele CA404892783.